The following is an entry in ClinVar:

ClinVar aggregate classification (germline): Uncertain significance (1 of 4 stars; one submission).

Submission:

GeneDx
Classification: Uncertain significance. Last evaluated: 2023-11-11. Review status: criteria provided, single submitter. Criteria: GeneDx Variant Classification Process June 2021. Collection method: clinical testing. Allele origin: germline. Affected: yes.
Comment: Not observed at significant frequency in large population cohorts (gnomAD); In silico analysis supports that this missense variant has a deleterious effect on protein structure/function; Has not been previously published as pathogenic or benign to our knowledge

NM_032188.3(KAT8):c.1121G>T (p.Arg374Leu)

Gene: KAT8 (lysine acetyltransferase 8; plus strand). Cytogenetic location: 16p11.2.
Variant type: single nucleotide variant.
Coding change: c.1121G>T on transcript NM_032188.3 (MANE Select); coding-DNA position 1121, G replaced by T.
Protein change: p.Arg374Leu; replaces arginine 374 with leucine.
Molecular consequence: missense variant.
Genome position (GRCh38, 1-based): chr16:31,130,570, G>T. VCF-style: chr16-31130570-G-T. GRCh37 (hg19) VCF-style: chr16-31141891-G-T.
Other names: c.1121G>T, p.Arg374Leu (NM_182958.4); short protein forms R374L.
Identifiers: ClinVar variation 3364242 (VCV003364242.1).